The following is an entry in ClinVar:

ClinVar aggregate classification (germline): Conflicting classifications of pathogenicity. Review status: criteria provided, conflicting classifications (1 of 4 stars). 11 submissions from 11 submitters: Uncertain significance (6); Likely benign (4). 1 of the submissions does not count toward it. Last evaluated 2026-01-27.

Conditions:
Inborn genetic diseases. Identifiers: MedGen C0950123, MeSH D030342.
SPART-related disorder. Also called: SPART-related condition.
Hereditary spastic paraplegia. Also called: Familial spastic paraparesis. Identifiers: Orphanet 685, MedGen C0037773, MONDO:0019064. Disease mechanism: loss of function.
Troyer syndrome (SPG20). Identifiers: Orphanet 101000, MedGen C0393559, MONDO:0010156, OMIM 275900.

Allele frequency attached by ClinVar (database versions not stated): 1000 Genomes Project 0.00060; 1000 Genomes Project 30x 0.00062; ExAC 0.00104; ESP Exome Variant Server 0.00108; gnomAD exomes 0.00114 and 0.00210; TOPMed 0.00120; gnomAD 0.00121 and 0.00123.

Submissions (17):

Labcorp Genetics (formerly Invitae), Labcorp
Classification: Likely benign. Last evaluated: 2026-01-27. Review status: criteria provided, single submitter. Criteria: Invitae Variant Classification Sherloc (09022015). Collection method: clinical testing. Allele origin: germline.

Athena Diagnostics
Classification: Likely benign. Last evaluated: 2025-07-28. Review status: criteria provided, single submitter. Criteria: Athena Diagnostics Criteria. Collection method: clinical testing. Allele origin: unknown.
Comment: The frequency of this variant in the general population is higher than would generally be expected for pathogenic variants in this gene. Computational tools predict this amino acid change may be benign.

CeGaT Center for Human Genetics Tuebingen
Classification: Likely benign. Last evaluated: 2024-12-01. Review status: criteria provided, single submitter. Criteria: CeGaT Center For Human Genetics Tuebingen Variant Classification Criteria Version 2. Collection method: clinical testing. Allele origin: germline. Affected: yes. Observed: 3 variant alleles.
Comment: SPART: BP4, BS2

Blueprint Genetics
Classification: Uncertain significance. Last evaluated: 2024-11-27. Review status: criteria provided, single submitter. Criteria: ACMG Guidelines, 2015. Collection method: clinical testing. Allele origin: germline.

Ambry Genetics
Classification: Likely benign for Inborn genetic diseases. Last evaluated: 2023-06-06. Review status: criteria provided, single submitter. Criteria: Ambry Variant Classification Scheme 2023. Collection method: clinical testing. Allele origin: germline.

Genome Diagnostics Laboratory, The Hospital for Sick Children
Classification: Uncertain significance for Hereditary spastic paraplegia. Last evaluated: 2020-10-07. Review status: criteria provided, single submitter. Criteria: ACMG Guidelines, 2015. Collection method: clinical testing. Allele origin: germline. Affected: yes.

GeneDx
Classification: Uncertain significance. Last evaluated: 2020-10-02. Review status: criteria provided, single submitter. Criteria: GeneDx Variant Classification Process June 2021. Collection method: clinical testing. Allele origin: germline. Affected: yes.
Comment: In silico analysis, which includes protein predictors and evolutionary conservation, supports that this variant does not alter protein structure/function; In silico analysis, which includes splice predictors and evolutionary conservation, suggests this variant may impact gene splicing. In the absence of RNA/functional studies, the actual effect of this sequence change is unknown.; Has not been previously published as pathogenic or benign to our knowledge

Mayo Clinic Laboratories, Mayo Clinic
Classification: Uncertain significance. Last evaluated: 2019-06-09. Review status: criteria provided, single submitter. Criteria: ACMG Guidelines, 2015. Collection method: clinical testing. Allele origin: germline. Observed: 2 variant alleles.

Fulgent Genetics
Classification: Uncertain significance for Troyer syndrome. Last evaluated: 2018-10-31. Review status: criteria provided, single submitter. Criteria: ACMG Guidelines, 2015. Collection method: clinical testing. Allele origin: unknown.

Illumina Laboratory Services, Illumina
Classification: Uncertain significance for Troyer syndrome. Last evaluated: 2018-01-13. Review status: criteria provided, single submitter. Criteria: ICSL Variant Classification Criteria 13 December 2019. Collection method: clinical testing. Allele origin: germline.

PreventionGenetics, part of Exact Sciences
Classification: Likely benign for SPART-related condition. Last evaluated: 2022-10-31. Review status: no assertion criteria provided. Collection method: clinical testing. Allele origin: germline. Not counted in ClinVar's aggregate classification.
Comment: This variant is classified as likely benign based on ACMG/AMP sequence variant interpretation guidelines (Richards et al. 2015 PMID: 25741868, with internal and published modifications).

Dr. Peter K. Rogan Lab, Western University
No classification provided (evidence only). Condition: Lung cancer. Review status: no classification provided. Collection method: in vitro. Allele origin: not applicable. Functional consequence: retained intron. Not counted in ClinVar's aggregate classification.

Dr. Peter K. Rogan Lab, Western University
No classification provided (evidence only). Condition: Thyroid cancer, nonmedullary, 1. Review status: no classification provided. Collection method: in vitro. Allele origin: not applicable. Functional consequence: retained intron. Not counted in ClinVar's aggregate classification.

Dr. Peter K. Rogan Lab, Western University
No classification provided (evidence only). Condition: Cervical cancer. Review status: no classification provided. Collection method: in vitro. Allele origin: not applicable. Functional consequence: retained intron. Not counted in ClinVar's aggregate classification.

Dr. Peter K. Rogan Lab, Western University
No classification provided (evidence only). Condition: Hepatocellular carcinoma. Review status: no classification provided. Collection method: in vitro. Allele origin: not applicable. Functional consequence: retained intron. Not counted in ClinVar's aggregate classification.

Dr. Peter K. Rogan Lab, Western University
No classification provided (evidence only). Condition: Gastric cancer. Review status: no classification provided. Collection method: in vitro. Allele origin: not applicable. Functional consequence: retained intron. Not counted in ClinVar's aggregate classification.

Dr. Peter K. Rogan Lab, Western University
No classification provided (evidence only). Condition: Gastric cancer. Review status: no classification provided. Collection method: in vitro. Allele origin: not applicable. Functional consequence: retained intron. Not counted in ClinVar's aggregate classification.

NM_015087.5(SPART):c.1172A>G (p.Asp391Gly)

Gene: SPART (spartin; minus strand). Cytogenetic location: 13q13.3.
Variant type: single nucleotide variant.
Coding change: c.1172A>G on transcript NM_015087.5 (MANE Select); coding-DNA position 1172, A replaced by G.
Protein change: p.Asp391Gly; replaces aspartic acid 391 with glycine.
Molecular consequence: missense variant.
Genome position (GRCh38, 1-based): chr13:36,326,691, T>C on the plus strand (A>G on the coding strand, the complement: SPART is on the minus strand). VCF-style: chr13-36326691-T-C. GRCh37 (hg19) VCF-style: chr13-36900828-T-C.
Other names: c.1172A>G (NM_001142295.1); c.1172A>G, p.Asp391Gly (NM_001142294.2, NM_001142295.2, NM_001142296.2); short protein forms D391G.
Identifiers: ClinVar variation 216687 (VCV000216687.72), dbSNP rs148833652, ClinGen allele CA336976.